The following is an entry in ClinVar:

NM_016169.4(SUFU):c.187G>A (p.Gly63Ser)

Gene: SUFU (SUFU negative regulator of hedgehog signaling; plus strand). Cytogenetic location: 10q24.32.
Variant type: single nucleotide variant.
Coding change: c.187G>A on transcript NM_016169.4 (MANE Select); coding-DNA position 187, G replaced by A.
Protein change: p.Gly63Ser; replaces glycine 63 with serine.
Molecular consequence: missense variant.
Genome position (GRCh38, 1-based): chr10:102,509,173, G>A. VCF-style: chr10-102509173-G-A. GRCh37 (hg19) VCF-style: chr10-104268930-G-A.
Other names: c.187G>A, p.Gly63Ser (NM_001178133.2); short protein forms G63S.
Identifiers: ClinVar variation 1781866 (VCV001781866.6), dbSNP rs2544845379, ClinGen allele CA377888170.
Genomic context (GRCh38, chr10:102,509,173, plus strand): 5'-TGACATTGTCTGATTTCCAGGCTTACACTAACACCCCTGTGTTTTGTTTTTTGCAGGTTG[G>A]GTGGCCCAGACCCCTTGGACTATGTTAGCATGTACAGGAATGTGGGGAGCCCTTCTGCTA-3'
Protein context (NP_057253.2, residues 53-73): QVTAIVKYWL[Gly63Ser]GPDPLDYVSM

ClinVar aggregate classification (germline): Uncertain significance. Review status: criteria provided, multiple submitters, no conflicts (2 of 4 stars). 3 submissions from 3 submitters: Uncertain significance (3). Last evaluated 2025-03-21.

Conditions:
Gorlin syndrome. Also called: Nevoid Basal Cell Carcinoma Syndrome; Basal cell nevus syndrome. Identifiers: Orphanet 377, MedGen C0004779, MONDO:0007187.
Medulloblastoma (MDB). Also called: MEDULLOBLASTOMA PREDISPOSITION SYNDROME; Medulloblastoma, somatic. Identifiers: Orphanet 616, MedGen C0025149, MeSH D008527, MONDO:0007959, OMIM 155255, HP:0002885.
Hereditary cancer-predisposing syndrome. Also called: Hereditary neoplastic syndrome; Neoplastic Syndromes, Hereditary; Tumor predisposition; Hereditary Cancer Syndrome. Identifiers: Orphanet 140162, MedGen C0027672, MeSH D009386, MONDO:0015356.

Submissions (3):

GeneDx
Classification: Uncertain significance. Last evaluated: 2025-03-21. Review status: criteria provided, single submitter. Criteria: GeneDx Variant Classification Process June 2021. Collection method: clinical testing. Allele origin: germline.
Comment: Not observed at significant frequency in large population cohorts (gnomAD); In silico analysis supports that this missense variant has a deleterious effect on protein structure/function; Has not been previously published as pathogenic or benign to our knowledge; This variant is associated with the following publications: (PMID: 24311597)

Labcorp Genetics (formerly Invitae), Labcorp
Classification: Uncertain significance for Gorlin syndrome; Medulloblastoma. Last evaluated: 2024-04-22. Review status: criteria provided, single submitter. Criteria: Invitae Variant Classification Sherloc (09022015). Collection method: clinical testing. Allele origin: germline.
Comment: This sequence change replaces glycine, which is neutral and non-polar, with serine, which is neutral and polar, at codon 63 of the SUFU protein (p.Gly63Ser). This variant is not present in population databases (gnomAD no frequency). This variant has not been reported in the literature in individuals affected with SUFU-related conditions. ClinVar contains an entry for this variant (Variation ID: 1781866). Advanced modeling of protein sequence and biophysical properties (such as structural, functional, and spatial information, amino acid conservation, physicochemical variation, residue mobility, and thermodynamic stability) has been performed at Invitae for this missense variant, however the output from this modeling did not meet the statistical confidence thresholds required to predict the impact of this variant on SUFU protein function. In summary, the available evidence is currently insufficient to determine the role of this variant in disease. Therefore, it has been classified as a Variant of Uncertain Significance.

Ambry Genetics
Classification: Uncertain significance for Hereditary cancer-predisposing syndrome. Last evaluated: 2020-06-23. Review status: criteria provided, single submitter. Criteria: Ambry Variant Classification Scheme 2023. Collection method: clinical testing. Allele origin: germline.
Comment: The p.G63S variant (also known as c.187G>A), located in coding exon 2 of the SUFU gene, results from a G to A substitution at nucleotide position 187. The glycine at codon 63 is replaced by serine, an amino acid with similar properties. This amino acid position is highly conserved in available vertebrate species. In addition, this alteration is predicted to be deleterious by in silico analysis. Since supporting evidence is limited at this time, the clinical significance of this alteration remains unclear.